The following is an entry in ClinVar:

ClinVar aggregate classification (germline): Uncertain significance (1 of 4 stars; one submission).

Conditions:
Cystic fibrosis (CF). Also called: MUCOVISCIDOSIS. Identifiers: Orphanet 586, MedGen C0010674, MONDO:0009061, OMIM 219700. Disease mechanism: loss of function.

Submission:

Ambry Genetics
Classification: Uncertain significance for Cystic fibrosis. Last evaluated: 2025-05-24. Review status: criteria provided, single submitter. Criteria: Ambry Variant Classification Scheme 2023. Collection method: clinical testing. Allele origin: germline.
Comment: The p.V603A variant (also known as c.1808T>C), located in coding exon 14 of the CFTR gene, results from a T to C substitution at nucleotide position 1808. The valine at codon 603 is replaced by alanine, an amino acid with similar properties. This amino acid position is conserved. In addition, this alteration is predicted to be deleterious by in silico analysis. Based on the available evidence, the clinical significance of this variant remains unclear.

NM_000492.4(CFTR):c.1808T>C (p.Val603Ala)

Gene: CFTR (CF transmembrane conductance regulator; plus strand). Cytogenetic location: 7q31.2.
Variant type: single nucleotide variant.
Coding change: c.1808T>C on transcript NM_000492.4 (MANE Select); coding-DNA position 1808, T replaced by C.
Protein change: p.Val603Ala; replaces valine 603 with alanine.
Molecular consequence: missense variant.
Genome position (GRCh38, 1-based): chr7:117,591,975, T>C. VCF-style: chr7-117591975-T-C. GRCh37 (hg19) VCF-style: chr7-117232029-T-C.
Other names: short protein forms V603A.
Identifiers: ClinVar variation 4001875 (VCV004001875.1).